The following is an entry in ClinVar:

NM_206933.4(USH2A):c.3962A>C (p.Gln1321Pro)

Genes: USH2A (usherin; minus strand), USH2A-AS1 (USH2A antisense RNA 1; plus strand). Cytogenetic location: 1q41.
Variant type: single nucleotide variant.
Coding change: c.3962A>C on transcript NM_206933.4 (MANE Select); coding-DNA position 3962, A replaced by C.
Protein change: p.Gln1321Pro; replaces glutamine 1321 with proline.
Molecular consequence: missense variant.
Genome position (GRCh38, 1-based): chr1:216,198,434, T>G on the plus strand (A>C on the coding strand, the complement: USH2A is on the minus strand). VCF-style: chr1-216198434-T-G. GRCh37 (hg19) VCF-style: chr1-216371776-T-G.
Other names: c.3962A>C, p.Gln1321Pro (NM_007123.6); short protein forms Q1321P.
Identifiers: ClinVar variation 2167757 (VCV002167757.1), dbSNP rs2528041511, ClinGen allele CA344867097.

ClinVar aggregate classification (germline): Uncertain significance (1 of 4 stars; one submission).

Allele frequency attached by ClinVar (database versions not stated): gnomAD exomes below 0.00001.
gnomAD v4.1: 1 of 1,614,030 alleles (0.000062%); highest among the groups gnomAD compares: Admixed American, 0.0017%; no homozygotes.

Submission:

Labcorp Genetics (formerly Invitae), Labcorp
Classification: Uncertain significance. Last evaluated: 2022-04-04. Review status: criteria provided, single submitter. Criteria: Invitae Variant Classification Sherloc (09022015). Collection method: clinical testing. Allele origin: germline.
Comment: This sequence change replaces glutamine, which is neutral and polar, with proline, which is neutral and non-polar, at codon 1321 of the USH2A protein (p.Gln1321Pro). This variant is not present in population databases (gnomAD no frequency). This variant has not been reported in the literature in individuals affected with USH2A-related conditions. Algorithms developed to predict the effect of missense changes on protein structure and function output the following: SIFT: "Deleterious"; PolyPhen-2: "Benign"; Align-GVGD: "Class C0". The proline amino acid residue is found in multiple mammalian species, which suggests that this missense change does not adversely affect protein function. In summary, the available evidence is currently insufficient to determine the role of this variant in disease. Therefore, it has been classified as a Variant of Uncertain Significance.